The following is an entry in ClinVar:

ClinVar aggregate classification (germline): Uncertain significance (1 of 4 stars; one submission).

Conditions:
Developmental and epileptic encephalopathy, 8 (DEE8). Also called: HYPEREKPLEXIA AND EPILEPSY. Identifiers: Orphanet 163985, Orphanet 2076, MedGen C1845102, MONDO:0010375, OMIM 300607.

Submission:

Labcorp Genetics (formerly Invitae), Labcorp
Classification: Uncertain significance for Developmental and epileptic encephalopathy, 8. Last evaluated: 2024-11-21. Review status: criteria provided, single submitter. Criteria: Invitae Variant Classification Sherloc (09022015). Collection method: clinical testing. Allele origin: germline.
Comment: This sequence change replaces glutamine, which is neutral and polar, with arginine, which is basic and polar, at codon 337 of the ARHGEF9 protein (p.Gln337Arg). This variant is not present in population databases (gnomAD no frequency). This variant has not been reported in the literature in individuals affected with ARHGEF9-related conditions. Invitae Evidence Modeling of protein sequence and biophysical properties (such as structural, functional, and spatial information, amino acid conservation, physicochemical variation, residue mobility, and thermodynamic stability) indicates that this missense variant is not expected to disrupt ARHGEF9 protein function with a negative predictive value of 95%. In summary, the available evidence is currently insufficient to determine the role of this variant in disease. Therefore, it has been classified as a Variant of Uncertain Significance.

NM_001353921.2(ARHGEF9):c.1031A>G (p.Gln344Arg)

Gene: ARHGEF9 (Cdc42 guanine nucleotide exchange factor 9; minus strand). Cytogenetic location: Xq11.1.
Variant type: single nucleotide variant.
Coding change: c.1031A>G on transcript NM_001353921.2 (MANE Select); coding-DNA position 1031, A replaced by G.
Protein change: p.Gln344Arg; replaces glutamine 344 with arginine.
Molecular consequence: missense variant. On other transcripts: intron variant (5).
Genome position (GRCh38, 1-based): chrX:63,665,932, T>C on the plus strand (A>G on the coding strand, the complement: ARHGEF9 is on the minus strand). VCF-style: chrX-63665932-T-C. GRCh37 (hg19) VCF-style: chrX-62885812-T-C.
Other names: c.851A>G, p.Gln284Arg (NM_001173479.2); c.704A>G, p.Gln235Arg (NM_001173480.2, NM_001369042.1); c.947A>G, p.Gln316Arg (NM_001330495.2, NM_001369033.1, NM_001369034.1 and 6 more transcripts); c.1049A>G, p.Gln350Arg (NM_001353923.1); c.830A>G, p.Gln277Arg (NM_001353924.2, NM_001353926.2, NM_001369039.1 and 1 more transcripts); c.1010A>G, p.Gln337Arg (NM_001369030.1, NM_001369031.1, NM_001369032.1 and 1 more transcripts); c.945+8106A>G (NM_001353922.2); c.861+8106A>G (NM_001369041.1, NM_001353927.2); and 2 more; short protein forms Q235R, Q284R, Q316R, Q344R, Q277R, Q337R, Q350R.
Identifiers: ClinVar variation 3720957 (VCV003720957.2).